The following is an entry in ClinVar:

ClinVar aggregate classification (germline): Uncertain significance (1 of 4 stars; one submission).

Conditions:
Congenital myasthenic syndrome 13 (CMS13). Also called: Myasthenic syndrome, congenital, with tubular aggregates 2; Myasthenic syndrome, congenital, 13, with tubular aggregates. Identifiers: Orphanet 353327, Orphanet 590, MedGen C3553645, MONDO:0013883, OMIM 614750.
DPAGT1-congenital disorder of glycosylation. Also called: DPAGT1-CDG; CONGENITAL DISORDER OF GLYCOSYLATION, TYPE Ij; CDG Ij. Identifiers: Orphanet 86309, MedGen C2931004, MONDO:0011964, OMIM 608093.

Submission:

Labcorp Genetics (formerly Invitae), Labcorp
Classification: Uncertain significance for Congenital myasthenic syndrome 13; DPAGT1-congenital disorder of glycosylation. Last evaluated: 2022-06-25. Review status: criteria provided, single submitter. Criteria: Invitae Variant Classification Sherloc (09022015). Collection method: clinical testing. Allele origin: germline.
Comment: In summary, the available evidence is currently insufficient to determine the role of this variant in disease. Therefore, it has been classified as a Variant of Uncertain Significance. Algorithms developed to predict the effect of missense changes on protein structure and function output the following: SIFT: "Tolerated"; PolyPhen-2: "Benign"; Align-GVGD: "Class C0". The isoleucine amino acid residue is found in multiple mammalian species, which suggests that this missense change does not adversely affect protein function. This variant has not been reported in the literature in individuals affected with DPAGT1-related conditions. This variant is not present in population databases (gnomAD no frequency). This sequence change replaces valine, which is neutral and non-polar, with isoleucine, which is neutral and non-polar, at codon 345 of the DPAGT1 protein (p.Val345Ile).

NM_001382.4(DPAGT1):c.1033G>A (p.Val345Ile)

Gene: DPAGT1 (dolichyl-phosphate N-acetylglucosaminephosphotransferase 1; minus strand). Cytogenetic location: 11q23.3.
Variant type: single nucleotide variant.
Coding change: c.1033G>A on transcript NM_001382.4 (MANE Select); coding-DNA position 1033, G replaced by A.
Protein change: p.Val345Ile; replaces valine 345 with isoleucine.
Molecular consequence: missense variant.
Genome position (GRCh38, 1-based): chr11:119,097,270, C>T on the plus strand (G>A on the coding strand, the complement: DPAGT1 is on the minus strand). VCF-style: chr11-119097270-C-T. GRCh37 (hg19) VCF-style: chr11-118967980-C-T.
Other names: short protein forms V345I.
Identifiers: ClinVar variation 2010698 (VCV002010698.4), dbSNP rs1440605260, ClinGen allele CA382908909.